The following is an entry in ClinVar:

NM_005859.5(PURA):c.625T>G (p.Tyr209Asp)

Gene: PURA (purine rich element binding protein A; plus strand). Cytogenetic location: 5q31.3.
Variant type: single nucleotide variant.
Coding change: c.625T>G on transcript NM_005859.5 (MANE Select); coding-DNA position 625, T replaced by G.
Protein change: p.Tyr209Asp; replaces tyrosine 209 with aspartic acid.
Molecular consequence: missense variant.
Genome position (GRCh38, 1-based): chr5:140,114,806, T>G. VCF-style: chr5-140114806-T-G. GRCh37 (hg19) VCF-style: chr5-139494391-T-G.
Other names: short protein forms Y209D.
Identifiers: ClinVar variation 1704887 (VCV001704887.2), dbSNP rs2479505779, ClinGen allele CA361491177.

ClinVar aggregate classification (germline): Uncertain significance (1 of 4 stars; one submission).

Submission:

GeneDx
Classification: Uncertain significance. Last evaluated: 2022-03-08. Review status: criteria provided, single submitter. Criteria: GeneDx Variant Classification Process June 2021. Collection method: clinical testing. Allele origin: germline. Affected: yes.
Comment: Not observed at significant frequency in large population cohorts (gnomAD); In silico analysis supports that this missense variant has a deleterious effect on protein structure/function; Has not been previously published as pathogenic or benign to our knowledge